The following is an entry in ClinVar:

NM_000431.4(MVK):c.638C>T (p.Ala213Val)

Gene: MVK (mevalonate kinase; plus strand). Cytogenetic location: 12q24.11.
Variant type: single nucleotide variant.
Coding change: c.638C>T on transcript NM_000431.4 (MANE Select); coding-DNA position 638, C replaced by T.
Protein change: p.Ala213Val; replaces alanine 213 with valine.
Molecular consequence: missense variant. On other transcripts: non-coding transcript variant (4).
Genome position (GRCh38, 1-based): chr12:109,586,760, C>T. VCF-style: chr12-109586760-C-T. GRCh37 (hg19) VCF-style: chr12-110024565-C-T.
Other names: c.638C>T, p.Ala213Val (NM_001114185.3, NM_001414511.1, NM_001414512.1 and 1 more transcripts); c.482C>T, p.Ala161Val (NM_001301182.2, NM_001414514.1); c.56C>T, p.Ala19Val (NM_001414515.1); short protein forms A161V, A213V, A19V.
Identifiers: ClinVar variation 4783708 (VCV004783708.1).

ClinVar aggregate classification (germline): Uncertain significance (1 of 4 stars; one submission).

Conditions:
Mevalonic aciduria (MEVA). Identifiers: Orphanet 29, MedGen C1959626, MONDO:0012481, OMIM 610377.
Porokeratosis 3, disseminated superficial actinic type (POROK3). Also called: POROKERATOSIS, DISSEMINATED SUPERFICIAL ACTINIC, 1; POROKERATOSIS 3, MIBELLI TYPE; POROKERATOSIS 3, MULTIPLE TYPES. Identifiers: MedGen C1867981, MONDO:0008293, OMIM 175900.
Hyperimmunoglobulin D with periodic fever (HIDS). Also called: HYPERIMMUNOGLOBULINEMIA D AND PERIODIC FEVER SYNDROME; Hyperimmunoglobulinemia D; Hyperimmunoglobulinemia D with periodic fever. Identifiers: Orphanet 343, MedGen C0398691, MONDO:0009849, OMIM 260920.

Submission:

Labcorp Genetics (formerly Invitae), Labcorp
Classification: Uncertain significance for Mevalonic aciduria; Hyperimmunoglobulin D with periodic fever; Porokeratosis 3, disseminated superficial actinic type. Last evaluated: 2025-05-19. Review status: criteria provided, single submitter. Criteria: Invitae Variant Classification Sherloc (09022015). Collection method: clinical testing. Allele origin: germline.
Comment: This sequence change replaces alanine, which is neutral and non-polar, with valine, which is neutral and non-polar, at codon 213 of the MVK protein (p.Ala213Val). This variant is not present in population databases (gnomAD no frequency). This variant has not been reported in the literature in individuals affected with MVK-related conditions. An algorithm developed to predict the effect of missense changes on protein structure and function outputs the following: PolyPhen-2: "Benign". The valine amino acid residue is found in multiple mammalian species, which suggests that this missense change does not adversely affect protein function. In summary, the available evidence is currently insufficient to determine the role of this variant in disease. Therefore, it has been classified as a Variant of Uncertain Significance.